The following is an entry in ClinVar:

ClinVar aggregate classification (germline): Uncertain significance (1 of 4 stars; one submission).

Conditions:
Hypoplastic enamel-onycholysis-hypohidrosis syndrome (TNS). Also called: NAIL DYSPLASIA WITH HYPODONTIA; ECTODERMAL DYSPLASIA 3, WITKOP TYPE; ECTODERMAL DYSPLASIA 3, TOOTH/NAIL TYPE; Tooth-and-Nail Syndrome; WITKOP SYNDROME. Identifiers: Orphanet 2228, MedGen C0406735, MONDO:0008582, OMIM 189500.

Allele frequency attached by ClinVar (database versions not stated): ExAC 0.00011; gnomAD exomes 0.00012 and 0.00023; TOPMed 0.00017; gnomAD 0.00019 and 0.00020; ESP Exome Variant Server 0.00023.

Submission:

Labcorp Genetics (formerly Invitae), Labcorp
Classification: Uncertain significance for Hypoplastic enamel-onycholysis-hypohidrosis syndrome. Last evaluated: 2025-01-15. Review status: criteria provided, single submitter. Criteria: Invitae Variant Classification Sherloc (09022015). Collection method: clinical testing. Allele origin: germline.
Comment: This sequence change replaces lysine, which is basic and polar, with arginine, which is basic and polar, at codon 194 of the MSX1 protein (p.Lys194Arg). This variant is present in population databases (rs149092063, gnomAD 0.02%). This variant has not been reported in the literature in individuals affected with MSX1-related conditions. ClinVar contains an entry for this variant (Variation ID: 947690). Invitae Evidence Modeling of protein sequence and biophysical properties (such as structural, functional, and spatial information, amino acid conservation, physicochemical variation, residue mobility, and thermodynamic stability) indicates that this missense variant is expected to disrupt MSX1 protein function with a positive predictive value of 80%. In summary, the available evidence is currently insufficient to determine the role of this variant in disease. Therefore, it has been classified as a Variant of Uncertain Significance.

NM_002448.3(MSX1):c.581A>G (p.Lys194Arg)

Gene: MSX1 (msh homeobox 1; plus strand). Cytogenetic location: 4p16.2.
Variant type: single nucleotide variant.
Coding change: c.581A>G on transcript NM_002448.3 (MANE Select); coding-DNA position 581, A replaced by G.
Protein change: p.Lys194Arg; replaces lysine 194 with arginine.
Molecular consequence: missense variant.
Genome position (GRCh38, 1-based): chr4:4,862,812, A>G. VCF-style: chr4-4862812-A-G. GRCh37 (hg19) VCF-style: chr4-4864539-A-G.
Other names: short protein forms K194R.
Identifiers: ClinVar variation 947690 (VCV000947690.9), dbSNP rs149092063, ClinGen allele CA2833078.
Genomic context (GRCh38, chr4:4,862,812, plus strand): 5'-AGCCGCGGACGCCCTTCACCACCGCGCAGCTGCTGGCGCTGGAGCGCAAGTTCCGCCAGA[A>G]GCAGTACCTGTCCATCGCCGAGCGCGCGGAGTTCTCCAGCTCGCTCAGCCTCACTGAGAC-3'
Protein context (NP_002439.2, residues 184-204): LLALERKFRQ[Lys194Arg]QYLSIAERAE